The following is an entry in ClinVar:

ClinVar aggregate classification (germline): Uncertain significance. Review status: criteria provided, multiple submitters, no conflicts (2 of 4 stars). 2 submissions from 2 submitters: Uncertain significance (2). Last evaluated 2024-09-11.

Conditions:
Inborn genetic diseases. Identifiers: MedGen C0950123, MeSH D030342.

Allele frequency attached by ClinVar (database versions not stated): TOPMed below 0.00001; gnomAD 0.00001; gnomAD exomes 0.00001; ExAC 0.00002.
gnomAD v4.1: 17 of 1,613,946 alleles (0.0011%); highest among the groups gnomAD compares: Middle Eastern, 0.016%; no homozygotes.

Submissions (2):

Labcorp Genetics (formerly Invitae), Labcorp
Classification: Uncertain significance. Last evaluated: 2024-09-11. Review status: criteria provided, single submitter. Criteria: Invitae Variant Classification Sherloc (09022015). Collection method: clinical testing. Allele origin: germline.
Comment: This sequence change replaces arginine, which is basic and polar, with cysteine, which is neutral and slightly polar, at codon 126 of the PGAP3 protein (p.Arg126Cys). This variant is present in population databases (rs780774610, gnomAD 0.005%). This variant has not been reported in the literature in individuals affected with PGAP3-related conditions. ClinVar contains an entry for this variant (Variation ID: 2487664). Invitae Evidence Modeling of protein sequence and biophysical properties (such as structural, functional, and spatial information, amino acid conservation, physicochemical variation, residue mobility, and thermodynamic stability) has been performed for this missense variant. However, the output from this modeling did not meet the statistical confidence thresholds required to predict the impact of this variant on PGAP3 protein function. In summary, the available evidence is currently insufficient to determine the role of this variant in disease. Therefore, it has been classified as a Variant of Uncertain Significance.

Ambry Genetics
Classification: Uncertain significance for Inborn genetic diseases. Last evaluated: 2023-02-22. Review status: criteria provided, single submitter. Criteria: Ambry Variant Classification Scheme 2023. Collection method: clinical testing. Allele origin: germline.

NM_033419.5(PGAP3):c.376C>T (p.Arg126Cys)

Gene: PGAP3 (post-GPI attachment to proteins phospholipase 3; minus strand). Cytogenetic location: 17q12.
Variant type: single nucleotide variant.
Coding change: c.376C>T on transcript NM_033419.5 (MANE Select); coding-DNA position 376, C replaced by T.
Protein change: p.Arg126Cys; replaces arginine 126 with cysteine.
Molecular consequence: missense variant. On other transcripts: intron variant (1).
Genome position (GRCh38, 1-based): chr17:39,684,653, G>A on the plus strand (C>T on the coding strand, the complement: PGAP3 is on the minus strand). VCF-style: chr17-39684653-G-A. GRCh37 (hg19) VCF-style: chr17-37840906-G-A.
Other names: c.376C>T, p.Arg126Cys (NM_001291728.2, NM_001291730.2, NM_001291732.2 and 1 more transcripts); c.279+1269C>T (NM_001291726.2); short protein forms R126C.
Identifiers: ClinVar variation 2487664 (VCV002487664.4), dbSNP rs780774610, ClinGen allele CA8533383.